The following is an entry in ClinVar:

NM_020765.3(UBR4):c.11097C>T (p.Leu3699=)

Gene: UBR4 (ubiquitin protein ligase E3 component n-recognin 4; minus strand). Cytogenetic location: 1p36.13.
Variant type: single nucleotide variant.
Coding change: c.11097C>T on transcript NM_020765.3 (MANE Select); coding-DNA position 11097, C replaced by T.
Protein change: p.Leu3699=; no amino-acid change (leucine 3699 retained).
Molecular consequence: synonymous variant.
Genome position (GRCh38, 1-based): chr1:19,114,916, G>A on the plus strand (C>T on the coding strand, the complement: UBR4 is on the minus strand). VCF-style: chr1-19114916-G-A. GRCh37 (hg19) VCF-style: chr1-19441410-G-A.
Identifiers: ClinVar variation 774787 (VCV000774787.30), dbSNP rs35307650, ClinGen allele CA649056.

ClinVar aggregate classification (germline): Benign. Review status: criteria provided, multiple submitters, no conflicts (2 of 4 stars). 4 submissions from 4 submitters: Benign (3). 1 of the submissions does not count toward it. Last evaluated 2023-02-01.

Conditions:
UBR4-related disorder. Also called: UBR4-related condition.

Allele frequency attached by ClinVar (database versions not stated): 1000 Genomes Project 0.00359; 1000 Genomes Project 30x 0.00375; ExAC 0.00529; TOPMed 0.00532; gnomAD 0.00540 and 0.00552; gnomAD exomes 0.00546 and 0.00795; ESP Exome Variant Server 0.00592.
gnomAD v4.1: 12,379 of 1,614,230 alleles (0.77%); highest among the groups gnomAD compares: Non-Finnish European, 0.91%; 66 homozygotes.

Submissions (4):

CeGaT Center for Human Genetics Tuebingen
Classification: Benign. Last evaluated: 2023-02-01. Review status: criteria provided, single submitter. Criteria: CeGaT Center For Human Genetics Tuebingen Variant Classification Criteria Version 2. Collection method: clinical testing. Allele origin: germline. Affected: yes. Observed: 4 variant alleles.
Comment: UBR4: BP4, BP7, BS1, BS2

Labcorp Genetics (formerly Invitae), Labcorp
Classification: Benign. Last evaluated: 2019-12-31. Review status: criteria provided, single submitter. Criteria: Invitae Variant Classification Sherloc (09022015). Collection method: clinical testing. Allele origin: germline.

Breakthrough Genomics
Classification: Benign. Review status: criteria provided, single submitter. Criteria: ACMG Guidelines, 2015. Collection method: not provided. Allele origin: germline. Inheritance: Unknown mechanism. Affected: yes.

PreventionGenetics, part of Exact Sciences
Classification: Benign for UBR4-related condition. Last evaluated: 2019-02-28. Review status: no assertion criteria provided. Collection method: clinical testing. Allele origin: germline. Not counted in ClinVar's aggregate classification.
Comment: This variant is classified as benign based on ACMG/AMP sequence variant interpretation guidelines (Richards et al. 2015 PMID: 25741868, with internal and published modifications).